The following is an entry in ClinVar:

ClinVar aggregate classification (germline): Uncertain significance (1 of 4 stars; one submission).

Conditions:
Charcot-Marie-Tooth disease axonal type 2S. Also called: CHARCOT-MARIE-TOOTH NEUROPATHY, TYPE 2S; CHARCOT-MARIE-TOOTH DISEASE, AXONAL, AUTOSOMAL RECESSIVE, TYPE 2S. Identifiers: Orphanet 443073, MedGen C4015349, MONDO:0014511, OMIM 616155.
Autosomal recessive distal spinal muscular atrophy 1. Also called: HMN VI; NEURONOPATHY, SEVERE INFANTILE AXONAL, WITH RESPIRATORY FAILURE; SEVERE INFANTILE AXONAL NEUROPATHY WITH RESPIRATORY FAILURE; SPINAL MUSCULAR ATROPHY, DIAPHRAGMATIC; Spinal muscular atrophy with respiratory distress 1; NEURONOPATHY, DISTAL HEREDITARY MOTOR, HARDING TYPE VI. Identifiers: Orphanet 98920, MedGen C1858517, MONDO:0011436, OMIM 604320.

gnomAD v4.1: 2 of 1,614,172 alleles (0.00012%); highest among the groups gnomAD compares: Non-Finnish European, 0.00017%; no homozygotes.

Submission:

Labcorp Genetics (formerly Invitae), Labcorp
Classification: Uncertain significance for Autosomal recessive distal spinal muscular atrophy 1; Charcot-Marie-Tooth disease axonal type 2S. Last evaluated: 2021-08-20. Review status: criteria provided, single submitter. Criteria: Invitae Variant Classification Sherloc (09022015). Collection method: clinical testing. Allele origin: germline.
Comment: This sequence change replaces valine with leucine at codon 52 of the IGHMBP2 protein (p.Val52Leu). The valine residue is weakly conserved and there is a small physicochemical difference between valine and leucine. This variant is not present in population databases (ExAC no frequency). This variant has not been reported in the literature in individuals affected with IGHMBP2-related conditions. Algorithms developed to predict the effect of missense changes on protein structure and function (SIFT, PolyPhen-2, Align-GVGD) all suggest that this variant is likely to be tolerated. In summary, the available evidence is currently insufficient to determine the role of this variant in disease. Therefore, it has been classified as a Variant of Uncertain Significance.

NM_002180.3(IGHMBP2):c.154G>C (p.Val52Leu)

Gene: IGHMBP2 (immunoglobulin mu DNA binding protein 2; plus strand). Cytogenetic location: 11q13.3.
Variant type: single nucleotide variant.
Coding change: c.154G>C on transcript NM_002180.3 (MANE Select); coding-DNA position 154, G replaced by C.
Protein change: p.Val52Leu; replaces valine 52 with leucine.
Molecular consequence: missense variant.
Genome position (GRCh38, 1-based): chr11:68,906,136, G>C. VCF-style: chr11-68906136-G-C. GRCh37 (hg19) VCF-style: chr11-68673604-G-C.
Other names: short protein forms V52L.
Identifiers: ClinVar variation 534934 (VCV000534934.6), dbSNP rs926718557, ClinGen allele CA381642320.